The following is an entry in ClinVar:

NM_006269.2(RP1):c.2334dup (p.Ser779fs)

Gene: RP1 (RP1 axonemal microtubule associated; plus strand). Cytogenetic location: 8q12.1.
Variant type: Duplication.
Coding change: c.2334dup on transcript NM_006269.2 (MANE Select); coding-DNA position 2334, one base duplicated (A; older notation c.2334dupA).
Protein change: p.Ser779fs; shifts the reading frame from serine 779.
Molecular consequence: frameshift variant. On other transcripts: intron variant (1).
Genome position (GRCh38, 1-based): chr8:54,626,216, A duplicated; the last of 4 consecutive A bases (chr8:54,626,213-54,626,216); duplicating any one gives the same sequence. VCF-style (leftmost placement, unchanged base first): chr8-54626212-G-GA. GRCh37 (hg19) VCF-style: chr8-55538772-G-GA.
Other names: c.787+3928dup (NM_001375654.1); short protein forms S779fs.
Identifiers: ClinVar variation 2760728 (VCV002760728.4), dbSNP rs2129316562, ClinGen allele CA2697549949.

ClinVar aggregate classification (germline): Pathogenic/Likely pathogenic. Review status: criteria provided, multiple submitters, no conflicts (2 of 4 stars). 2 submissions from 2 submitters: Pathogenic (1); Likely pathogenic (1). Last evaluated 2023-09-14.

Conditions:
RP1-related disorder. Also called: RP1-related condition.

Submissions (2):

Labcorp Genetics (formerly Invitae), Labcorp
Classification: Pathogenic. Last evaluated: 2023-09-14. Review status: criteria provided, single submitter. Criteria: Invitae Variant Classification Sherloc (09022015). Collection method: clinical testing. Allele origin: germline.
Comment: This sequence change creates a premature translational stop signal (p.Ser779Ilefs*2) in the RP1 gene. While this is not anticipated to result in nonsense mediated decay, it is expected to disrupt the last 1378 amino acid(s) of the RP1 protein. This variant is not present in population databases (gnomAD no frequency). This variant has not been reported in the literature in individuals affected with RP1-related conditions. This variant disrupts the C-terminus of the RP1 protein. Many variants that disrupt this region have been reported in individuals with either autosomal dominant or autosomal recessive retinitis pigmentosa (PMID: 11527933, 19933189, 29425069, 30027431, 33681214). Therefore, variants that disrupt this region are expected to be disease-causing. For these reasons, this variant has been classified as Pathogenic.

Blueprint Genetics
Classification: Likely pathogenic for RP1-related disorders. Last evaluated: 2022-01-14. Review status: criteria provided, single submitter. Criteria: ACMG Guidelines, 2015. Collection method: clinical testing. Allele origin: germline. Affected: yes. Observed: 1 variant allele.

Literature cited by the submitters: PubMed 11527933 (cited by Labcorp Genetics (formerly Invitae), Labcorp); PubMed 19933189 (cited by Labcorp Genetics (formerly Invitae), Labcorp); PubMed 29425069 (cited by Labcorp Genetics (formerly Invitae), Labcorp); PubMed 30027431 (cited by Labcorp Genetics (formerly Invitae), Labcorp); PubMed 33681214 (cited by Labcorp Genetics (formerly Invitae), Labcorp).